The following is an entry in ClinVar:

NM_001364905.1(LRBA):c.6383G>T (p.Arg2128Leu)

Gene: LRBA (LPS responsive beige-like anchor protein; minus strand). Cytogenetic location: 4q31.3.
Variant type: single nucleotide variant.
Coding change: c.6383G>T on transcript NM_001364905.1 (MANE Select); coding-DNA position 6383, G replaced by T.
Protein change: p.Arg2128Leu; replaces arginine 2128 with leucine.
Molecular consequence: missense variant.
Genome position (GRCh38, 1-based): chr4:150,490,983, C>A on the plus strand (G>T on the coding strand, the complement: LRBA is on the minus strand). VCF-style: chr4-150490983-C-A. GRCh37 (hg19) VCF-style: chr4-151412135-C-A.
Other names: c.6383G>T, p.Arg2128Leu (NM_001199282.3, NM_001367550.1); c.6416G>T, p.Arg2139Leu (NM_006726.5); short protein forms R2139L, R2128L.
Identifiers: ClinVar variation 2143407 (VCV002143407.5), dbSNP rs776609460, ClinGen allele CA3101952.

ClinVar aggregate classification (germline): Uncertain significance. Review status: criteria provided, multiple submitters, no conflicts (2 of 4 stars). 2 submissions from 2 submitters: Uncertain significance (2). Last evaluated 2025-09-27.

Conditions:
Inborn genetic diseases. Identifiers: MedGen C0950123, MeSH D030342.
Combined immunodeficiency due to LRBA deficiency. Also called: Common variable immunodeficiency 8, with autoimmunity. Identifiers: Orphanet 445018, MedGen C3553512, MONDO:0013863, OMIM 614700.

Allele frequency attached by ClinVar (database versions not stated): ExAC 0.00001; TOPMed 0.00001; gnomAD 0.00002.
gnomAD v4.1: 11 of 1,609,440 alleles (0.00068%); highest among the groups gnomAD compares: Admixed American, 0.0017%; no homozygotes.

Submissions (2):

Ambry Genetics
Classification: Uncertain significance for Inborn genetic diseases. Last evaluated: 2025-09-27. Review status: criteria provided, single submitter. Criteria: Ambry Variant Classification Scheme 2023. Collection method: clinical testing. Allele origin: germline.

Labcorp Genetics (formerly Invitae), Labcorp
Classification: Uncertain significance for Combined immunodeficiency due to LRBA deficiency. Last evaluated: 2022-08-19. Review status: criteria provided, single submitter. Criteria: Invitae Variant Classification Sherloc (09022015). Collection method: clinical testing. Allele origin: germline.
Comment: Algorithms developed to predict the effect of missense changes on protein structure and function are either unavailable or do not agree on the potential impact of this missense change (SIFT: "Deleterious"; PolyPhen-2: "Probably Damaging"; Align-GVGD: "Class C0"). This variant has not been reported in the literature in individuals affected with LRBA-related conditions. This variant is present in population databases (rs776609460, gnomAD 0.006%). This sequence change replaces arginine, which is basic and polar, with leucine, which is neutral and non-polar, at codon 2139 of the LRBA protein (p.Arg2139Leu). In summary, the available evidence is currently insufficient to determine the role of this variant in disease. Therefore, it has been classified as a Variant of Uncertain Significance.